The following is an entry in ClinVar:

NM_002734.5(PRKAR1A):c.446T>C (p.Ile149Thr)

Gene: PRKAR1A (protein kinase cAMP-dependent type I regulatory subunit alpha; plus strand). Cytogenetic location: 17q24.2.
Variant type: single nucleotide variant.
Coding change: c.446T>C on transcript NM_002734.5 (MANE Select); coding-DNA position 446, T replaced by C.
Protein change: p.Ile149Thr; replaces isoleucine 149 with threonine.
Molecular consequence: missense variant.
Genome position (GRCh38, 1-based): chr17:68,524,021, T>C. VCF-style: chr17-68524021-T-C. GRCh37 (hg19) VCF-style: chr17-66520162-T-C.
Other names: c.446T>C, p.Ile149Thr (NM_001276289.2, NM_001276290.1, NM_001278433.2 and 4 more transcripts); short protein forms I149T.
Identifiers: ClinVar variation 1472858 (VCV001472858.6), dbSNP rs2143293136, ClinGen allele CA400752783.

ClinVar aggregate classification (germline): Uncertain significance (1 of 4 stars; one submission).

Conditions:
Carney complex, type 1 (CNC1). Also called: CARNEY MYXOMA-ENDOCRINE COMPLEX; CARNEY COMPLEX, TYPE I. Identifiers: Orphanet 1359, MedGen C2607929, MONDO:0008057, OMIM 160980.

Submission:

Labcorp Genetics (formerly Invitae), Labcorp
Classification: Uncertain significance for Carney complex, type 1. Last evaluated: 2023-09-30. Review status: criteria provided, single submitter. Criteria: Invitae Variant Classification Sherloc (09022015). Collection method: clinical testing. Allele origin: germline.
Comment: This sequence change replaces isoleucine, which is neutral and non-polar, with threonine, which is neutral and polar, at codon 149 of the PRKAR1A protein (p.Ile149Thr). This variant is not present in population databases (gnomAD no frequency). In summary, the available evidence is currently insufficient to determine the role of this variant in disease. Therefore, it has been classified as a Variant of Uncertain Significance. Advanced modeling of protein sequence and biophysical properties (such as structural, functional, and spatial information, amino acid conservation, physicochemical variation, residue mobility, and thermodynamic stability) performed at Invitae indicates that this missense variant is expected to disrupt PRKAR1A protein function. ClinVar contains an entry for this variant (Variation ID: 1472858). This variant has not been reported in the literature in individuals affected with PRKAR1A-related conditions.